The following is an entry in ClinVar:

ClinVar aggregate classification (germline): Uncertain significance (1 of 4 stars; one submission).

Allele frequency attached by ClinVar (database versions not stated): TOPMed below 0.00001.

Submission:

Labcorp Genetics (formerly Invitae), Labcorp
Classification: Uncertain significance. Last evaluated: 2023-04-24. Review status: criteria provided, single submitter. Criteria: Invitae Variant Classification Sherloc (09022015). Collection method: clinical testing. Allele origin: germline.
Comment: Advanced modeling of protein sequence and biophysical properties (such as structural, functional, and spatial information, amino acid conservation, physicochemical variation, residue mobility, and thermodynamic stability) has been performed at Invitae for this missense variant, however the output from this modeling did not meet the statistical confidence thresholds required to predict the impact of this variant on EYS protein function. ClinVar contains an entry for this variant (Variation ID: 1432685). This variant has not been reported in the literature in individuals affected with EYS-related conditions. This variant is not present in population databases (gnomAD no frequency). This sequence change replaces threonine, which is neutral and polar, with alanine, which is neutral and non-polar, at codon 1297 of the EYS protein (p.Thr1297Ala). In summary, the available evidence is currently insufficient to determine the role of this variant in disease. Therefore, it has been classified as a Variant of Uncertain Significance.

NM_001142800.2(EYS):c.3889A>G (p.Thr1297Ala)

Gene: EYS (eyes shut homolog; minus strand). Cytogenetic location: 6q12.
Variant type: single nucleotide variant.
Coding change: c.3889A>G on transcript NM_001142800.2 (MANE Select); coding-DNA position 3889, A replaced by G.
Protein change: p.Thr1297Ala; replaces threonine 1297 with alanine.
Molecular consequence: missense variant.
Genome position (GRCh38, 1-based): chr6:64,591,978, T>C on the plus strand (A>G on the coding strand, the complement: EYS is on the minus strand). VCF-style: chr6-64591978-T-C. GRCh37 (hg19) VCF-style: chr6-65301871-T-C.
Other names: c.3889A>G, p.Thr1297Ala (NM_001292009.2); short protein forms T1297A.
Identifiers: ClinVar variation 1432685 (VCV001432685.7), dbSNP rs1766427477, ClinGen allele CA364784496.